The following is an entry in ClinVar:

ClinVar aggregate classification (germline): Benign. Review status: criteria provided, multiple submitters, no conflicts (2 of 4 stars). 3 submissions from 2 submitters: Benign (3). Last evaluated 2018-01-13.

Conditions:
Aortic aneurysm, familial thoracic 4 (AAT4). Also called: AORTIC ANEURYSM/AORTIC DISSECTION AND PATENT DUCTUS ARTERIOSUS. Identifiers: MedGen C1851504, MONDO:0007568, OMIM 132900.
Lissencephaly 4 (LIS4). Also called: Lissencephaly 4 (with microcephaly). Identifiers: Orphanet 1083, MedGen C3151461, MONDO:0013527, OMIM 614019.

Allele frequency attached by ClinVar (database versions not stated): gnomAD exomes 0.02568; gnomAD 0.07652 and 0.08018; TOPMed 0.08188; 1000 Genomes Project 0.09065; 1000 Genomes Project 30x 0.09603.
gnomAD v4.1: 18,397 of 411,324 alleles (4.5%); highest among the groups gnomAD compares: African/African-American, 22%; 1,306 homozygotes.

Submissions (3):

Illumina Laboratory Services, Illumina
Classification: Benign for Aortic aneurysm, familial thoracic 4. Last evaluated: 2018-01-13. Review status: criteria provided, single submitter. Criteria: ICSL Variant Classification Criteria 13 December 2019. Collection method: clinical testing. Allele origin: germline.
Comment: This variant was observed in the ICSL laboratory as part of a predisposition screen in an ostensibly healthy population. It had not been previously curated by ICSL or reported in the Human Gene Mutation Database (HGMD: prior to June 1st, 2018), and was therefore a candidate for classification through an automated scoring system. Utilizing variant allele frequency, disease prevalence and penetrance estimates, and inheritance mode, an automated score was calculated to assess if this variant is too frequent to cause the disease. Based on the score and internal cut-off values, a variant classified as benign is not then subjected to further curation. The score for this variant resulted in a classification of benign for this disease.

Illumina Laboratory Services, Illumina
Classification: Benign for Lissencephaly 4. Last evaluated: 2018-01-12. Review status: criteria provided, single submitter. Criteria: ICSL Variant Classification Criteria 13 December 2019. Collection method: clinical testing. Allele origin: germline.
Comment: the same text as in the submission from Illumina Laboratory Services, Illumina above.

Breakthrough Genomics
Classification: Benign. Review status: criteria provided, single submitter. Criteria: ACMG Guidelines, 2015. Collection method: not provided. Allele origin: germline. Inheritance: Autosomal recessive inheritance. Affected: yes.

NM_002474.3(MYH11):c.3859-558T>C

Genes: NDE1 (nudE neurodevelopment protein 1; plus strand), MYH11 (myosin heavy chain 11; minus strand). Cytogenetic location: 16p13.11.
Variant type: single nucleotide variant.
Coding change: c.3859-558T>C on transcript NM_002474.3 (MANE Select); 558 bases into the intron before coding-DNA position 3859, T replaced by C.
Molecular consequence: intron variant. On other transcripts: 3 prime UTR variant (2).
Genome position (GRCh38, 1-based): chr16:15,725,550, A>G on the plus strand (T>C on the coding strand, the complement: MYH11 is on the minus strand). VCF-style: chr16-15725550-A-G. GRCh37 (hg19) VCF-style: chr16-15819407-A-G.
Other names: c.*1299A>G (NM_001143979.2, NM_017668.3); c.3859-558T>C (NM_022844.3); c.3880-558T>C (NM_001040114.2, NM_001040113.2).
Identifiers: ClinVar variation 318143 (VCV000318143.7), dbSNP rs16967500, ClinGen allele CA10647946.